The following is an entry in ClinVar:

ClinVar aggregate classification (germline): Uncertain significance (1 of 4 stars; one submission).

Conditions:
Inborn genetic diseases. Identifiers: MedGen C0950123, MeSH D030342.

Submission:

Ambry Genetics
Classification: Uncertain significance for Inborn genetic diseases. Last evaluated: 2025-11-16. Review status: criteria provided, single submitter. Criteria: Ambry Variant Classification Scheme 2023. Collection method: clinical testing. Allele origin: germline.
Comment: The p.V49A variant (also known as c.146T>C), located in coding exon 2 of the PAX5 gene, results from a T to C substitution at nucleotide position 146. The valine at codon 49 is replaced by alanine, an amino acid with similar properties. This amino acid position is conserved. In addition, this alteration is predicted to be deleterious by in silico analysis. Based on the available evidence, the clinical significance of this variant remains unclear.

NM_016734.3(PAX5):c.146T>C (p.Val49Ala)

Gene: PAX5 (paired box 5; minus strand). Cytogenetic location: 9p13.2.
Variant type: single nucleotide variant.
Coding change: c.146T>C on transcript NM_016734.3 (MANE Select); coding-DNA position 146, T replaced by C.
Protein change: p.Val49Ala; replaces valine 49 with alanine.
Molecular consequence: missense variant. On other transcripts: non-coding transcript variant (2), intron variant (2).
Genome position (GRCh38, 1-based): chr9:37,020,702, A>G on the plus strand (T>C on the coding strand, the complement: PAX5 is on the minus strand). VCF-style: chr9-37020702-A-G. GRCh37 (hg19) VCF-style: chr9-37020699-A-G.
Other names: c.146T>C, p.Val49Ala (NM_001280547.2, NM_001280548.2, NM_001280549.2 and 5 more transcripts); c.-112-5508T>C (NM_001280551.2, NM_001280556.2); short protein forms V49A.
Identifiers: ClinVar variation 4626963 (VCV004626963.1).
Genomic context (GRCh38, chr9:37,020,702, plus strand): 5'-AGAATTTTGCTGACACAACCATGGCTGACCCGAAGCTGCCTGGAGATGTCGCAGGGCCTG[A>G]CACCTTGATGAGCAAGTTCCACTATCCTCTGGCGGACTACATCCGGGAGTGGCCGTCCAT-3'
Protein context (NP_057953.1, residues 39-59): QRIVELAHQG[Val49Ala]RPCDISRQLR